The following is an entry in ClinVar:

NM_003184.4(TAF2):c.1952A>G (p.Tyr651Cys)

Gene: TAF2 (TATA-box binding protein associated factor 2; minus strand). Cytogenetic location: 8q24.12.
Variant type: single nucleotide variant.
Coding change: c.1952A>G on transcript NM_003184.4 (MANE Select); coding-DNA position 1952, A replaced by G.
Protein change: p.Tyr651Cys; replaces tyrosine 651 with cysteine.
Molecular consequence: missense variant.
Genome position (GRCh38, 1-based): chr8:119,783,541, T>C on the plus strand (A>G on the coding strand, the complement: TAF2 is on the minus strand). VCF-style: chr8-119783541-T-C. GRCh37 (hg19) VCF-style: chr8-120795781-T-C.
Other names: short protein forms Y651C.
Identifiers: ClinVar variation 1717237 (VCV001717237.5), dbSNP rs2488361165, ClinGen allele CA371880645.

ClinVar aggregate classification (germline): Uncertain significance (1 of 4 stars; one submission).

Submission:

Labcorp Genetics (formerly Invitae), Labcorp
Classification: Uncertain significance. Last evaluated: 2022-08-21. Review status: criteria provided, single submitter. Criteria: Invitae Variant Classification Sherloc (09022015). Collection method: clinical testing. Allele origin: germline.
Comment: This variant is not present in population databases (gnomAD no frequency). This sequence change replaces tyrosine, which is neutral and polar, with cysteine, which is neutral and slightly polar, at codon 651 of the TAF2 protein (p.Tyr651Cys). In summary, the available evidence is currently insufficient to determine the role of this variant in disease. Therefore, it has been classified as a Variant of Uncertain Significance. Algorithms developed to predict the effect of missense changes on protein structure and function are either unavailable or do not agree on the potential impact of this missense change (SIFT: "Deleterious"; PolyPhen-2: "Possibly Damaging"; Align-GVGD: "Class C0"). This variant has not been reported in the literature in individuals affected with TAF2-related conditions.